The following is an entry in ClinVar:

ClinVar aggregate classification (germline): Uncertain significance (1 of 4 stars; one submission).

Conditions:
Hereditary cancer-predisposing syndrome. Also called: Hereditary neoplastic syndrome; Neoplastic Syndromes, Hereditary; Tumor predisposition; Hereditary Cancer Syndrome. Identifiers: Orphanet 140162, MedGen C0027672, MeSH D009386, MONDO:0015356.

Submission:

Ambry Genetics
Classification: Uncertain significance for Hereditary cancer-predisposing syndrome. Last evaluated: 2025-02-15. Review status: criteria provided, single submitter. Criteria: Ambry Variant Classification Scheme 2023. Collection method: clinical testing. Allele origin: germline.
Comment: The p.C95W variant (also known as c.285C>G), located in coding exon 1 of the ALK gene, results from a C to G substitution at nucleotide position 285. The cysteine at codon 95 is replaced by tryptophan, an amino acid with highly dissimilar properties. This amino acid position is conserved. In addition, the in silico prediction for this alteration is inconclusive. Based on the available evidence, the clinical significance of this variant remains unclear.

NM_004304.5(ALK):c.285C>G (p.Cys95Trp)

Gene: ALK (ALK receptor tyrosine kinase; minus strand). Cytogenetic location: 2p23.1.
Variant type: single nucleotide variant.
Coding change: c.285C>G on transcript NM_004304.5 (MANE Select); coding-DNA position 285, C replaced by G.
Protein change: p.Cys95Trp; replaces cysteine 95 with tryptophan.
Molecular consequence: missense variant.
Genome position (GRCh38, 1-based): chr2:29,920,375, G>C on the plus strand (C>G on the coding strand, the complement: ALK is on the minus strand). VCF-style: chr2-29920375-G-C. GRCh37 (hg19) VCF-style: chr2-30143241-G-C.
Other names: short protein forms C95W.
Identifiers: ClinVar variation 3855829 (VCV003855829.1).